The following is an entry in ClinVar:

NM_000426.4(LAMA2):c.6884G>A (p.Arg2295His)

Gene: LAMA2 (laminin subunit alpha 2; plus strand). Cytogenetic location: 6q22.33.
Variant type: single nucleotide variant.
Coding change: c.6884G>A on transcript NM_000426.4 (MANE Select); coding-DNA position 6884, G replaced by A.
Protein change: p.Arg2295His; replaces arginine 2295 with histidine.
Molecular consequence: missense variant.
Genome position (GRCh38, 1-based): chr6:129,460,216, G>A. VCF-style: chr6-129460216-G-A. GRCh37 (hg19) VCF-style: chr6-129781361-G-A.
Other names: p.Arg2295His; c.6884G>A, p.Arg2295His (NM_001079823.2); short protein forms R2295H.
Identifiers: ClinVar variation 661836 (VCV000661836.23), dbSNP rs142164767, ClinGen allele CA3994390.

ClinVar aggregate classification (germline): Conflicting classifications of pathogenicity. Review status: criteria provided, conflicting classifications (1 of 4 stars). 7 submissions from 7 submitters: Uncertain significance (6); Likely benign (1). Last evaluated 2026-01-20.

Conditions:
Congenital muscular dystrophy due to partial LAMA2 deficiency. Identifiers: MedGen C1842898.
LAMA2-related muscular dystrophy (LAMA2-RD). Also called: Laminin alpha 2-related dystrophy. Identifiers: MedGen C5679788, MONDO:0100228.

Allele frequency attached by ClinVar (database versions not stated): gnomAD 0.00006 and 0.00009; ESP Exome Variant Server 0.00008; gnomAD exomes 0.00009 and 0.00024; ExAC 0.00022; TOPMed 0.00022; 1000 Genomes Project 0.00080; 1000 Genomes Project 30x 0.00094.
gnomAD v4.1: 149 of 1,611,950 alleles (0.0092%); highest among the groups gnomAD compares: East Asian, 0.14%; no homozygotes.

Submissions (7):

Labcorp Genetics (formerly Invitae), Labcorp
Classification: Likely benign for LAMA2-related muscular dystrophy. Last evaluated: 2026-01-20. Review status: criteria provided, single submitter. Criteria: Invitae Variant Classification Sherloc (09022015). Collection method: clinical testing. Allele origin: germline.

Women's Health and Genetics/Laboratory Corporation of America, LabCorp
Classification: Uncertain significance. Last evaluated: 2025-04-14. Review status: criteria provided, single submitter. Criteria: LabCorp Variant Classification Summary - May 2015. Collection method: clinical testing. Allele origin: germline.
Comment: Variant summary: LAMA2 c.6884G>A (p.Arg2295His) results in a non-conservative amino acid change located in the Laminin G domain (IPR001791) of the encoded protein sequence. Four of five in-silico tools predict a damaging effect of the variant on protein function. The variant allele was found at a frequency of 0.00024 in 250680 control chromosomes. This frequency is not significantly higher than estimated for a pathogenic variant in LAMA2 causing Merosin deficient congenital muscular dystrophy (0.00024 vs 0.0035), allowing no conclusion about variant significance. To our knowledge, no occurrence of c.6884G>A in individuals affected with Merosin deficient congenital muscular dystrophy and no experimental evidence demonstrating its impact on protein function have been reported. ClinVar contains an entry for this variant (Variation ID: 661836). Based on the evidence outlined above, the variant was classified as uncertain significance.

Blueprint Genetics
Classification: Uncertain significance. Last evaluated: 2024-11-05. Review status: criteria provided, single submitter. Criteria: ACMG Guidelines, 2015. Collection method: clinical testing. Allele origin: germline.

Revvity Omics, Revvity
Classification: Uncertain significance. Last evaluated: 2023-03-01. Review status: criteria provided, single submitter. Criteria: ACMG Guidelines, 2015. Collection method: clinical testing. Allele origin: germline.

GeneDx
Classification: Uncertain significance. Last evaluated: 2022-09-14. Review status: criteria provided, single submitter. Criteria: GeneDx Variant Classification Process June 2021. Collection method: clinical testing. Allele origin: germline. Affected: yes.
Comment: In silico analysis supports that this missense variant has a deleterious effect on protein structure/function; Reported in a patient with early-onset high myopia; however, no additional clinical information was provided and a second LAMA2 variant was not identified (Li et al., 2015); This variant is associated with the following publications: (PMID: 25587058, 32579932)

Mayo Clinic Laboratories, Mayo Clinic
Classification: Uncertain significance. Last evaluated: 2022-03-18. Review status: criteria provided, single submitter. Criteria: ACMG Guidelines, 2015. Collection method: clinical testing. Allele origin: germline. Observed: 2 variant alleles.

Illumina Laboratory Services, Illumina
Classification: Uncertain significance for Congenital muscular dystrophy due to partial LAMA2 deficiency. Last evaluated: 2018-01-13. Review status: criteria provided, single submitter. Criteria: ICSL Variant Classification Criteria 13 December 2019. Collection method: clinical testing. Allele origin: germline.